The following is an entry in ClinVar:

NM_024642.5(GALNT12):c.714G>A (p.Leu238=)

Gene: GALNT12 (polypeptide N-acetylgalactosaminyltransferase 12; plus strand). Cytogenetic location: 9q22.33.
Variant type: single nucleotide variant.
Coding change: c.714G>A on transcript NM_024642.5 (MANE Select); coding-DNA position 714, G replaced by A.
Protein change: p.Leu238=; no amino-acid change (leucine 238 retained).
Molecular consequence: synonymous variant.
Genome position (GRCh38, 1-based): chr9:98,826,924, G>A. VCF-style: chr9-98826924-G-A. GRCh37 (hg19) VCF-style: chr9-101589206-G-A.
Identifiers: ClinVar variation 3280557 (VCV003280557.1).

ClinVar aggregate classification (germline): Uncertain significance (1 of 4 stars; one submission).

gnomAD v4.1: 1 of 1,565,314 alleles (0.000064%); highest among the groups gnomAD compares: South Asian, 0.0012%; no homozygotes.

Submission:

Ambry Genetics
Classification: Uncertain significance. Last evaluated: 2024-05-02. Review status: criteria provided, single submitter. Criteria: Ambry Variant Classification Scheme 2023. Collection method: clinical testing. Allele origin: germline.
Comment: The c.714G>A variant (also known as p.L238L), located in coding exon 3 of the GALNT12 gene, results from a G to A substitution at nucleotide position 714. This nucleotide substitution does not change the leucine at codon 238. This nucleotide position is well conserved in available vertebrate species. In silico splice site analysis for this alteration is inconclusive. The evidence for this gene-disease relationship is limited; therefore, the clinical significance of this alteration is unclear.